The following is an entry in ClinVar:

NM_004336.5(BUB1):c.3202G>C (p.Ala1068Pro)

Gene: BUB1 (BUB1 mitotic checkpoint serine/threonine kinase; minus strand). Cytogenetic location: 2q13.
Variant type: single nucleotide variant.
Coding change: c.3202G>C on transcript NM_004336.5 (MANE Select); coding-DNA position 3202, G replaced by C.
Protein change: p.Ala1068Pro; replaces alanine 1068 with proline.
Molecular consequence: missense variant.
Genome position (GRCh38, 1-based): chr2:110,638,020, C>G on the plus strand (G>C on the coding strand, the complement: BUB1 is on the minus strand). VCF-style: chr2-110638020-C-G. GRCh37 (hg19) VCF-style: chr2-111395597-C-G.
Other names: c.3142G>C, p.Ala1048Pro (NM_001278616.2); c.3031G>C, p.Ala1011Pro (NM_001278617.2); short protein forms A1068P, A1011P, A1048P.
Identifiers: ClinVar variation 1728841 (VCV001728841.2), dbSNP rs763226529, ClinGen allele CA348088315.

ClinVar aggregate classification (germline): Uncertain significance (1 of 4 stars; one submission).

gnomAD v4.1: 1 of 1,604,786 alleles (0.000062%); highest among the groups gnomAD compares: Non-Finnish European, 0.000085%; no homozygotes.

Submission:

Ambry Genetics
Classification: Uncertain significance. Last evaluated: 2022-07-29. Review status: criteria provided, single submitter. Criteria: Ambry Variant Classification Scheme 2023. Collection method: clinical testing. Allele origin: germline.
Comment: The p.A1068P variant (also known as c.3202G>C), located in coding exon 25 of the BUB1 gene, results from a G to C substitution at nucleotide position 3202. The alanine at codon 1068 is replaced by proline, an amino acid with highly similar properties. This amino acid position is conserved. In addition, this alteration is predicted to be tolerated by in silico analysis. Since supporting evidence is limited at this time, the clinical significance of this alteration remains unclear.